The following is an entry in ClinVar:

ClinVar aggregate classification (germline): Uncertain significance (1 of 4 stars; one submission).

Conditions:
Peroxisome biogenesis disorder 11A (Zellweger). Also called: Peroxisome biogenesis disorder 11A. Identifiers: Orphanet 912, MedGen C3554000, MONDO:0013949, OMIM 614883.

Allele frequency attached by ClinVar (database versions not stated): TOPMed below 0.00001; gnomAD 0.00001.
gnomAD v4.1: 2 of 1,613,810 alleles (0.00012%); highest among the groups gnomAD compares: Admixed American, 0.0017%; no homozygotes.

Submission:

Labcorp Genetics (formerly Invitae), Labcorp
Classification: Uncertain significance for Peroxisome biogenesis disorder 11A (Zellweger). Last evaluated: 2022-10-04. Review status: criteria provided, single submitter. Criteria: Invitae Variant Classification Sherloc (09022015). Collection method: clinical testing. Allele origin: germline.
Comment: This sequence change replaces cysteine, which is neutral and slightly polar, with tyrosine, which is neutral and polar, at codon 220 of the PEX13 protein (p.Cys220Tyr). This variant is not present in population databases (gnomAD no frequency). This variant has not been reported in the literature in individuals affected with PEX13-related conditions. ClinVar contains an entry for this variant (Variation ID: 1492223). Advanced modeling of protein sequence and biophysical properties (such as structural, functional, and spatial information, amino acid conservation, physicochemical variation, residue mobility, and thermodynamic stability) performed at Invitae indicates that this missense variant is not expected to disrupt PEX13 protein function. In summary, the available evidence is currently insufficient to determine the role of this variant in disease. Therefore, it has been classified as a Variant of Uncertain Significance.

NM_002618.4(PEX13):c.659G>A (p.Cys220Tyr)

Gene: PEX13 (peroxisomal biogenesis factor 13; plus strand). Cytogenetic location: 2p15.
Variant type: single nucleotide variant.
Coding change: c.659G>A on transcript NM_002618.4 (MANE Select); coding-DNA position 659, G replaced by A.
Protein change: p.Cys220Tyr; replaces cysteine 220 with tyrosine.
Molecular consequence: missense variant.
Genome position (GRCh38, 1-based): chr2:61,031,985, G>A. VCF-style: chr2-61031985-G-A. GRCh37 (hg19) VCF-style: chr2-61259120-G-A.
Other names: short protein forms C220Y.
Identifiers: ClinVar variation 1492223 (VCV001492223.3), dbSNP rs988856957, ClinGen allele CA48342543.